The following is an entry in ClinVar:

NM_000784.4(CYP27A1):c.647-1G>T

Gene: CYP27A1 (cytochrome P450 family 27 subfamily A member 1; plus strand). Cytogenetic location: 2q35.
Variant type: single nucleotide variant.
Coding change: c.647-1G>T on transcript NM_000784.4 (MANE Select); the canonical splice acceptor site of the intron before coding-DNA position 647, G replaced by T.
Molecular consequence: splice acceptor variant.
Genome position (GRCh38, 1-based): chr2:218,812,551, G>T. VCF-style: chr2-218812551-G-T. GRCh37 (hg19) VCF-style: chr2-219677274-G-T.
Other names: c.647-1G>T.
Identifiers: ClinVar variation 65886 (VCV000065886.3), dbSNP rs587778804, ClinGen allele CA345224.

ClinVar aggregate classification (germline): Pathogenic (0 of 4 stars; one submission).

Conditions:
Cholestanol storage disease (CTX). Also called: CEREBRAL CHOLESTERINOSIS; Cerebrotendinous Xanthomatosis; CTX: Cerebrotendinous xanthomatosis. Identifiers: Orphanet 909, MedGen C0238052, MONDO:0008948, OMIM 213700.

Allele frequency attached by ClinVar (database versions not stated): gnomAD exomes below 0.00001.
gnomAD v4.1: 2 of 1,614,158 alleles (0.00012%); highest among the groups gnomAD compares: Non-Finnish European, 0.00017%; no homozygotes.

Submission:

GeneReviews
Classification: Pathogenic for Cerebrotendinous Xanthomatosis. Last evaluated: 2013-08-01. Review status: no assertion criteria provided. Collection method: curation. Allele origin: unknown.
ClinVar note: Converted during submission from pathologic to Pathogenic.